The following is an entry in ClinVar:

NM_002335.4(LRP5):c.2989C>T (p.Arg997Cys)

Gene: LRP5 (LDL receptor related protein 5; plus strand). Cytogenetic location: 11q13.2.
Variant type: single nucleotide variant.
Coding change: c.2989C>T on transcript NM_002335.4 (MANE Select); coding-DNA position 2989, C replaced by T.
Protein change: p.Arg997Cys; replaces arginine 997 with cysteine.
Molecular consequence: missense variant.
Genome position (GRCh38, 1-based): chr11:68,416,489, C>T. VCF-style: chr11-68416489-C-T. GRCh37 (hg19) VCF-style: chr11-68183957-C-T.
Other names: c.1246C>T, p.Arg416Cys (NM_001291902.2); short protein forms R416C, R997C.
Identifiers: ClinVar variation 1020827 (VCV001020827.8), dbSNP rs926783835, ClinGen allele CA224275916.

ClinVar aggregate classification (germline): Uncertain significance (1 of 4 stars; one submission).

Allele frequency attached by ClinVar (database versions not stated): gnomAD exomes below 0.00001 and 0.00001; gnomAD 0.00001; TOPMed 0.00001.
gnomAD v4.1: 7 of 1,613,824 alleles (0.00043%); highest among the groups gnomAD compares: Admixed American, 0.0033%; no homozygotes.

Submission:

Labcorp Genetics (formerly Invitae), Labcorp
Classification: Uncertain significance. Last evaluated: 2020-03-05. Review status: criteria provided, single submitter. Criteria: Invitae Variant Classification Sherloc (09022015). Collection method: clinical testing. Allele origin: germline.
Comment: In summary, the available evidence is currently insufficient to determine the role of this variant in disease. Therefore, it has been classified as a Variant of Uncertain Significance. Algorithms developed to predict the effect of missense changes on protein structure and function (SIFT, PolyPhen-2, Align-GVGD) all suggest that this variant is likely to be disruptive, but these predictions have not been confirmed by published functional studies and their clinical significance is uncertain. This variant has not been reported in the literature in individuals with LRP5-related conditions. This variant is not present in population databases (ExAC no frequency). This sequence change replaces arginine with cysteine at codon 997 of the LRP5 protein (p.Arg997Cys). The arginine residue is highly conserved and there is a large physicochemical difference between arginine and cysteine.